The following is an entry in ClinVar:

ClinVar aggregate classification (germline): Likely pathogenic (1 of 4 stars; one submission).

Submission:

GeneDx
Classification: Likely pathogenic. Last evaluated: 2022-05-16. Review status: criteria provided, single submitter. Criteria: GeneDx Variant Classification Process June 2021. Collection method: clinical testing. Allele origin: germline. Affected: yes.
Comment: Not observed in large population cohorts (gnomAD); In-frame deletion of 1 amino acids in a non-repeat region; In silico analysis, which includes protein predictors and evolutionary conservation, supports a deleterious effect; Has not been previously published as pathogenic or benign to our knowledge

NM_015465.5(GEMIN5):c.819AGG[1] (p.Gly276del)

Gene: GEMIN5 (gem nuclear organelle associated protein 5; minus strand). Cytogenetic location: 5q33.2.
Variant type: Microsatellite.
Coding change: c.819AGG[1] on transcript NM_015465.5 (MANE Select); one copy of the 3-base unit AGG starting at c.819; the reference has two copies in a row; one copy, 3 bases deleted.
Protein change: p.Gly276del; deletes glycine 276.
Molecular consequence: inframe deletion.
Genome position (GRCh38, 1-based): chr5:154,928,617-154,928,619, CCT deleted on the plus strand (AGG on the coding strand, the reverse complement: GEMIN5 is on the minus strand); deleting any 3 consecutive bases within chr5:154,928,617-154,928,623 gives the same sequence; the position shown is the placement nearest the transcript's 3' end. VCF-style (leftmost placement, unchanged base first): chr5-154928616-CCCT-C. GRCh37 (hg19) VCF-style: chr5-154308176-CCCT-C.
Other names: c.816AGG[1], p.Gly275del (NM_001252156.2); short protein forms G275del, G276del.
Identifiers: ClinVar variation 1317180 (VCV001317180.3), dbSNP rs1764094470, ClinGen allele CA1593003993.